The following is an entry in ClinVar:

NM_001278064.2(GRM1):c.2726T>C (p.Met909Thr)

Gene: GRM1 (glutamate metabotropic receptor 1; plus strand). Cytogenetic location: 6q24.3.
Variant type: single nucleotide variant.
Coding change: c.2726T>C on transcript NM_001278064.2 (MANE Select); coding-DNA position 2726, T replaced by C.
Protein change: p.Met909Thr; replaces methionine 909 with threonine.
Molecular consequence: missense variant. On other transcripts: 3 prime UTR variant (2), synonymous variant (1).
Genome position (GRCh38, 1-based): chr6:146,433,937, T>C. VCF-style: chr6-146433937-T-C. GRCh37 (hg19) VCF-style: chr6-146755073-T-C.
Other names: NM_000838.3:c.2726T>C; c.*90T>C (NM_001278065.2); c.*55T>C (NM_001278066.1); c.2691T>C, p.Tyr897= (NM_001278067.1); c.2726T>C (NM_001278064.1); short protein forms M909T.
Identifiers: ClinVar variation 2405060 (VCV002405060.6), dbSNP rs141525895, ClinGen allele CA4037546.
Genomic context (GRCh38, chr6:146,433,937, plus strand): 5'-ATGGCAAGTCTGTGTCATGGTCTGAACCAGGTGGAGGACAGGTGCCCAAGGGACAGCATA[T>C]GTGGCACCGCCTCTCTGTGCACGTGAAGACCAATGAGACGGCCTGCAACCAAACAGCCGT-3'
Protein context (NP_001264993.1, residues 899-919): GGGQVPKGQH[Met909Thr]WHRLSVHVKT

ClinVar aggregate classification (germline): Uncertain significance. Review status: criteria provided, multiple submitters, no conflicts (2 of 4 stars). 3 submissions from 3 submitters: Uncertain significance (3). Last evaluated 2024-07-03.

Conditions:
Inborn genetic diseases. Identifiers: MedGen C0950123, MeSH D030342.

Allele frequency attached by ClinVar (database versions not stated): TOPMed 0.00007; ExAC 0.00009; ESP Exome Variant Server 0.00031.
gnomAD v4.1: 156 of 1,613,730 alleles (0.0097%); highest among the groups gnomAD compares: Non-Finnish European, 0.013%; no homozygotes.

Submissions (3):

GeneDx
Classification: Uncertain significance. Last evaluated: 2024-07-03. Review status: criteria provided, single submitter. Criteria: GeneDx Variant Classification Process June 2021. Collection method: clinical testing. Allele origin: germline. Affected: yes.
Comment: In silico analysis indicates that this missense variant does not alter protein structure/function; Has not been previously published as pathogenic or benign to our knowledge

Labcorp Genetics (formerly Invitae), Labcorp
Classification: Uncertain significance. Last evaluated: 2023-01-25. Review status: criteria provided, single submitter. Criteria: Invitae Variant Classification Sherloc (09022015). Collection method: clinical testing. Allele origin: germline.
Comment: In summary, the available evidence is currently insufficient to determine the role of this variant in disease. Therefore, it has been classified as a Variant of Uncertain Significance. Algorithms developed to predict the effect of missense changes on protein structure and function output the following: SIFT: "Deleterious"; PolyPhen-2: "Benign"; Align-GVGD: "Class C0". The threonine amino acid residue is found in multiple mammalian species, which suggests that this missense change does not adversely affect protein function. This variant has not been reported in the literature in individuals affected with GRM1-related conditions. This variant is present in population databases (rs141525895, gnomAD 0.01%). This sequence change replaces methionine, which is neutral and non-polar, with threonine, which is neutral and polar, at codon 909 of the GRM1 protein (p.Met909Thr).

Ambry Genetics
Classification: Uncertain significance for Inborn genetic diseases. Last evaluated: 2021-01-27. Review status: criteria provided, single submitter. Criteria: Ambry Variant Classification Scheme 2023. Collection method: clinical testing. Allele origin: germline.
Comment: The c.2726T>C (p.M909T) alteration is located in exon 9 (coding exon 8) of the GRM1 gene. This alteration results from a T to C substitution at nucleotide position 2726, causing the methionine (M) at amino acid position 909 to be replaced by a threonine (T). The p.M909T alteration is predicted to be tolerated by in silico analysis. Based on insufficient or conflicting evidence, the clinical significance of this alteration remains unclear.